The following is an entry in ClinVar:

NM_006912.6(RIT1):c.72A>G (p.Leu24=)

Gene: RIT1 (Ras like without CAAX 1; minus strand). Cytogenetic location: 1q22.
Variant type: single nucleotide variant.
Coding change: c.72A>G on transcript NM_006912.6 (MANE Select); coding-DNA position 72, A replaced by G.
Protein change: p.Leu24=; no amino-acid change (leucine 24 retained).
Molecular consequence: synonymous variant. On other transcripts: intron variant (1).
Genome position (GRCh38, 1-based): chr1:155,910,690, T>C on the plus strand (A>G on the coding strand, the complement: RIT1 is on the minus strand). VCF-style: chr1-155910690-T-C. GRCh37 (hg19) VCF-style: chr1-155880481-T-C.
Other names: c.123A>G, p.Leu41= (NM_001256821.2); c.-2-184A>G (NM_001256820.2).
Identifiers: ClinVar variation 1588528 (VCV001588528.10), dbSNP rs770237120, ClinGen allele CA1151904.

ClinVar aggregate classification (germline): Likely benign. Review status: criteria provided, multiple submitters, no conflicts (2 of 4 stars). 2 submissions from 2 submitters: Likely benign (2). Last evaluated 2026-03-27.

Conditions:
Noonan syndrome 8 (NS8). Identifiers: Orphanet 648, MedGen C3809233, MONDO:0014143, OMIM 615355.

Allele frequency attached by ClinVar (database versions not stated): gnomAD exomes below 0.00001; ExAC 0.00001.
gnomAD v4.1: 3 of 1,614,226 alleles (0.00019%); highest among the groups gnomAD compares: African/African-American, 0.004%; no homozygotes.

Submissions (3):

Molecular Diagnostic Laboratory for Inherited Cardiovascular Disease, Montreal Heart Institute
Classification: Likely benign. Last evaluated: 2026-03-27. Review status: criteria provided, single submitter. Criteria: ACMG Guidelines, 2015. Collection method: clinical testing. Allele origin: germline. Affected: no.
Comment: BS1;BP7

Labcorp Genetics (formerly Invitae), Labcorp
Classification: Likely benign for Noonan syndrome 8. Last evaluated: 2025-08-29. Review status: criteria provided, single submitter. Criteria: Invitae Variant Classification Sherloc (09022015). Collection method: clinical testing. Allele origin: germline.

Dr. Peter K. Rogan Lab, Western University
No classification provided (evidence only). Condition: Clear cell carcinoma of kidney. Review status: no classification provided. Collection method: in vitro. Allele origin: not applicable. Functional consequence: retained intron. Not counted in ClinVar's aggregate classification.